The following is an entry in ClinVar:

NM_016648.4(LARP7):c.618_619insTT (p.Lys207fs)

Genes: LARP7 (La ribonucleoprotein 7, transcriptional regulator; plus strand), MIR302CHG (miR-302/367 cluster host gene; minus strand). Cytogenetic location: 4q25.
Variant type: Insertion.
Coding change: c.618_619insTT on transcript NM_016648.4 (MANE Select); coding-DNA positions 618 to 619, TT inserted.
Protein change: p.Lys207fs; shifts the reading frame from lysine 207.
Molecular consequence: frameshift variant.
Genome position: GRCh38 VCF-style: chr4-112647098-A-ATT. GRCh37 (hg19) VCF-style: chr4-113568254-A-ATT.
Other names: c.618_619insTT, p.Lys207fs (NM_001267039.4, NM_001370974.1, NM_001370975.1 and 6 more transcripts); c.381_382insTT, p.Lys128fs (NM_001370981.1, NM_001370982.1); short protein forms K207fs, K128fs.
Identifiers: ClinVar variation 523963 (VCV000523963.5), dbSNP rs1554011503, ClinGen allele CA658796457.

ClinVar aggregate classification (germline): Pathogenic/Likely pathogenic. Review status: criteria provided, multiple submitters, no conflicts (2 of 4 stars). 2 submissions from 2 submitters: Pathogenic (1); Likely pathogenic (1). Last evaluated 2025-03-11.

Conditions:
Microcephalic primordial dwarfism, Alazami type. Also called: FACIAL DYSMORPHISM, INTELLECTUAL DISABILITY, AND PRIMORDIAL DWARFISM; Alazami syndrome. Identifiers: Orphanet 319671, MedGen C3554439, MONDO:0014031, OMIM 615071.

Submissions (2):

GeneDx
Classification: Pathogenic. Last evaluated: 2025-03-11. Review status: criteria provided, single submitter. Criteria: GeneDx Variant Classification Process June 2021. Collection method: clinical testing. Allele origin: germline. Affected: yes.
Comment: Frameshift variant predicted to result in protein truncation or nonsense mediated decay in a gene for which loss of function is a known mechanism of disease; Not observed at significant frequency in large population cohorts (gnomAD); Has not been previously published as pathogenic or benign to our knowledge

UAEU Genomics Laboratory, United Arab Emirates University
Classification: Likely pathogenic for Microcephalic primordial dwarfism, Alazami type. Last evaluated: 2022-09-08. Review status: criteria provided, single submitter. Criteria: ACMG Guidelines, 2015. Collection method: research. Allele origin: germline. Affected: yes. Observed: 1 variant allele.
Comment: PM2, PVS1